The following is an entry in ClinVar:

NM_005529.7(HSPG2):c.10158C>T (p.Pro3386=)

Gene: HSPG2 (heparan sulfate proteoglycan 2; minus strand). Cytogenetic location: 1p36.12.
Variant type: single nucleotide variant.
Coding change: c.10158C>T on transcript NM_005529.7 (MANE Select); coding-DNA position 10158, C replaced by T.
Protein change: p.Pro3386=; no amino-acid change (proline 3386 retained).
Molecular consequence: synonymous variant.
Genome position (GRCh38, 1-based): chr1:21,836,999, G>A on the plus strand (C>T on the coding strand, the complement: HSPG2 is on the minus strand). VCF-style: chr1-21836999-G-A. GRCh37 (hg19) VCF-style: chr1-22163492-G-A.
Other names: c.10161C>T, p.Pro3387= (NM_001291860.2).
Identifiers: ClinVar variation 1624601 (VCV001624601.10), dbSNP rs920218633, ClinGen allele CA19101132.

ClinVar aggregate classification (germline): Likely benign. Review status: criteria provided, multiple submitters, no conflicts (2 of 4 stars). 2 submissions from 2 submitters: Likely benign (2). Last evaluated 2026-04-01.

Allele frequency attached by ClinVar (database versions not stated): gnomAD 0.00001; gnomAD exomes 0.00001; TOPMed 0.00002.
gnomAD v4.1: 51 of 1,549,962 alleles (0.0033%); highest among the groups gnomAD compares: Middle Eastern, 0.017%; no homozygotes.

Submissions (2):

CeGaT Center for Human Genetics Tuebingen
Classification: Likely benign. Last evaluated: 2026-04-01. Review status: criteria provided, single submitter. Criteria: CeGaT Center For Human Genetics Tuebingen Variant Classification Criteria Version 2. Collection method: clinical testing. Allele origin: germline. Affected: yes. Observed: 1 variant allele.
Comment: HSPG2: BP4, BP7

Labcorp Genetics (formerly Invitae), Labcorp
Classification: Likely benign. Last evaluated: 2023-04-22. Review status: criteria provided, single submitter. Criteria: Invitae Variant Classification Sherloc (09022015). Collection method: clinical testing. Allele origin: germline.